The following is an entry in ClinVar:

NM_052988.5(CDK10):c.295G>C (p.Val99Leu)

Gene: CDK10 (cyclin dependent kinase 10; plus strand). Cytogenetic location: 16q24.3.
Variant type: single nucleotide variant.
Coding change: c.295G>C on transcript NM_052988.5 (MANE Select); coding-DNA position 295, G replaced by C.
Protein change: p.Val99Leu; replaces valine 99 with leucine.
Molecular consequence: missense variant. On other transcripts: non-coding transcript variant (2).
Genome position (GRCh38, 1-based): chr16:89,691,505, G>C. VCF-style: chr16-89691505-G-C. GRCh37 (hg19) VCF-style: chr16-89757913-G-C.
Other names: c.82G>C, p.Val28Leu (NM_001098533.3, NM_001160367.2, NM_052987.4); short protein forms V28L, V99L.
Identifiers: ClinVar variation 1033748 (VCV001033748.1), dbSNP rs1420247770, ClinGen allele CA397420667.
Genomic context (GRCh38, chr16:89,691,505, plus strand): 5'-ATCCCCATCAGCAGCTTGCGGGAGATCACGCTGCTGCTCCGCCTGCGTCATCCGAACATC[G>C]TGGAGCTGAAGGAGGTGGTTGTGGGGAACCACCTGGAGAGGTACGTGGTCTCCTGGTCTG-3'
Protein context (NP_443714.3, residues 89-109): LLLRLRHPNI[Val99Leu]ELKEVVVGNH

ClinVar aggregate classification (germline): Uncertain significance (1 of 4 stars; one submission).

Conditions:
Al Kaissi syndrome. Also called: GROWTH RETARDATION, SPINE MALFORMATION, DYSMORPHIC FACIES, AND DEVELOPMENTAL DELAY. Identifiers: MedGen C4540156, MONDO:0044324, OMIM 617694.

Submission:

Baylor Genetics
Classification: Uncertain significance for Al Kaissi syndrome. Last evaluated: 2018-08-23. Review status: criteria provided, single submitter. Criteria: ACMG Guidelines, 2015. Collection method: clinical testing. Allele origin: unknown. Affected: yes.
Comment: This variant was determined to be of uncertain significance according to ACMG Guidelines, 2015 [PMID:25741868].